The following is an entry in ClinVar:

NM_001363711.2(DUOX2):c.1425C>A (p.Tyr475Ter)

Gene: DUOX2 (dual oxidase 2; minus strand). Cytogenetic location: 15q21.1.
Variant type: single nucleotide variant.
Coding change: c.1425C>A on transcript NM_001363711.2 (MANE Select); coding-DNA position 1425, C replaced by A.
Protein change: p.Tyr475Ter; replaces tyrosine 475 with a stop codon.
Molecular consequence: nonsense.
Genome position (GRCh38, 1-based): chr15:45,108,196, G>T on the plus strand (C>A on the coding strand, the complement: DUOX2 is on the minus strand). VCF-style: chr15-45108196-G-T. GRCh37 (hg19) VCF-style: chr15-45400394-G-T.
Other names: c.1425C>A, p.Tyr475Ter (NM_014080.5); short protein forms Y475*.
Identifiers: ClinVar variation 2864791 (VCV002864791.3), dbSNP rs372584501, ClinGen allele CA270131644.

ClinVar aggregate classification (germline): Pathogenic (1 of 4 stars; one submission).

Allele frequency attached by ClinVar (database versions not stated): gnomAD exomes below 0.00001; ESP Exome Variant Server 0.00008.
gnomAD v4.1: 2 of 1,614,190 alleles (0.00012%); highest among the groups gnomAD compares: Non-Finnish European, 0.00017%; no homozygotes.

Submission:

Labcorp Genetics (formerly Invitae), Labcorp
Classification: Pathogenic. Last evaluated: 2023-05-16. Review status: criteria provided, single submitter. Criteria: Invitae Variant Classification Sherloc (09022015). Collection method: clinical testing. Allele origin: germline.
Comment: For these reasons, this variant has been classified as Pathogenic. This variant has not been reported in the literature in individuals affected with DUOX2-related conditions. This variant is not present in population databases (gnomAD no frequency). This sequence change creates a premature translational stop signal (p.Tyr475*) in the DUOX2 gene. It is expected to result in an absent or disrupted protein product. Loss-of-function variants in DUOX2 are known to be pathogenic (PMID: 12110737, 18765513, 21565790, 24423310, 24735383).

Literature cited by the submitters: PubMed 12110737; PubMed 18765513; PubMed 21565790; PubMed 24423310; PubMed 24735383.